The following is an entry in ClinVar:

NM_001329630.2(PLEKHA7):c.1687T>A (p.Ser563Thr)

Gene: PLEKHA7 (pleckstrin homology domain containing A7; minus strand). Cytogenetic location: 11p15.2.
Variant type: single nucleotide variant.
Coding change: c.1687T>A on transcript NM_001329630.2 (MANE Select); coding-DNA position 1687, T replaced by A.
Protein change: p.Ser563Thr; replaces serine 563 with threonine.
Molecular consequence: missense variant.
Genome position (GRCh38, 1-based): chr11:16,816,979, A>T on the plus strand (T>A on the coding strand, the complement: PLEKHA7 is on the minus strand). VCF-style: chr11-16816979-A-T. GRCh37 (hg19) VCF-style: chr11-16838526-A-T.
Other names: c.1687T>A, p.Ser563Thr (NM_001329631.2, NM_001410960.1, NM_175058.5); short protein forms S563T.
Identifiers: ClinVar variation 3033149 (VCV003033149.2), dbSNP rs145036106, ClinGen allele CA5899386.

ClinVar aggregate classification (germline): Likely benign (0 of 4 stars; one submission).

Conditions:
PLEKHA7-related disorder. Also called: PLEKHA7-related condition.

Allele frequency attached by ClinVar (database versions not stated): gnomAD exomes 0.00007; ExAC 0.00020; ESP Exome Variant Server 0.00039; gnomAD 0.00070; 1000 Genomes Project 0.00080; TOPMed 0.00091; 1000 Genomes Project 30x 0.00094.
gnomAD v4.1: 214 of 1,608,556 alleles (0.013%); highest among the groups gnomAD compares: African/African-American, 0.23%; no homozygotes.

Submission:

PreventionGenetics, part of Exact Sciences
Classification: Likely benign for PLEKHA7-related condition. Last evaluated: 2022-10-04. Review status: no assertion criteria provided. Collection method: clinical testing. Allele origin: germline.
Comment: This variant is classified as likely benign based on ACMG/AMP sequence variant interpretation guidelines (Richards et al. 2015 PMID: 25741868, with internal and published modifications).